The following is an entry in ClinVar:

NM_001165963.4(SCN1A):c.3524T>C (p.Leu1175Pro)

Genes: SCN1A (sodium voltage-gated channel alpha subunit 1; minus strand), LOC102724058 (uncharacterized LOC102724058; plus strand). Cytogenetic location: 2q24.3.
Variant type: single nucleotide variant.
Coding change: c.3524T>C on transcript NM_001165963.4 (MANE Select); coding-DNA position 3524, T replaced by C.
Protein change: p.Leu1175Pro; replaces leucine 1175 with proline.
Molecular consequence: missense variant. On other transcripts: non-coding transcript variant (2).
Genome position (GRCh38, 1-based): chr2:166,015,633, A>G on the plus strand (T>C on the coding strand, the complement: SCN1A is on the minus strand). VCF-style: chr2-166015633-A-G. GRCh37 (hg19) VCF-style: chr2-166872143-A-G.
Other names: c.3440T>C, p.Leu1147Pro (NM_001165964.3, NM_001353957.2, NM_001353958.2); c.3524T>C, p.Leu1175Pro (NM_001202435.3, NM_001353948.2); c.3491T>C, p.Leu1164Pro (NM_001353949.2, NM_001353950.2, NM_001353951.2 and 2 more transcripts); c.3488T>C, p.Leu1163Pro (NM_001353954.2, NM_001353955.2); c.3437T>C, p.Leu1146Pro (NM_001353960.2); c.1082T>C, p.Leu361Pro (NM_001353961.2); c.3524T>C (NM_001165963.1); short protein forms L1147P, L1163P, L1164P, L1175P, L1146P, L361P.
Identifiers: ClinVar variation 2177352 (VCV002177352.4), dbSNP rs1457387893, ClinGen allele CA349056640.
Genomic context (GRCh38, chr2:166,015,633, plus strand): 5'-AATGAAAGATTAACATTAGGATTCTTTTCTTTACCTTCAGTGAAACAAGCTTCTGGTTCA[A>G]GAGTTTCTTCAGGTTCCACTACGGGCTGTTCTTCTACAGGTGCGCCGATGTCCACAGTGC-3'
Protein context (NP_001159435.1, residues 1165-1185): EQPVVEPEET[Leu1175Pro]EPEACFTEGC

ClinVar aggregate classification (germline): Conflicting classifications of pathogenicity. Review status: criteria provided, conflicting classifications (1 of 4 stars). 2 submissions from 2 submitters: Uncertain significance (1); Benign (1). Last evaluated 2024-08-13.

Conditions:
Early-infantile DEE. Also called: Ohtahara syndrome; Early infantile epileptic encephalopathy; Early infantile epileptic encephalopathy with suppression bursts. Identifiers: Orphanet 1934, MedGen C0393706, MONDO:0800491.

Allele frequency attached by ClinVar (database versions not stated): gnomAD exomes below 0.00001.
gnomAD v4.1: 2 of 1,612,792 alleles (0.00012%); highest among the groups gnomAD compares: Admixed American, 0.0017%; no homozygotes.

Submissions (2):

GeneDx
Classification: Uncertain significance. Last evaluated: 2024-08-13. Review status: criteria provided, single submitter. Criteria: GeneDx Variant Classification Process June 2021. Collection method: clinical testing. Allele origin: germline. Affected: yes.
Comment: Not observed at significant frequency in large population cohorts (gnomAD); In silico analysis supports that this missense variant has a deleterious effect on protein structure/function; Has not been previously published as pathogenic or benign to our knowledge; This substitution is predicted to be within the cytoplasmic loop between the second and third homologous domains

Labcorp Genetics (formerly Invitae), Labcorp
Classification: Benign for Early-infantile DEE. Last evaluated: 2024-05-15. Review status: criteria provided, single submitter. Criteria: Invitae Variant Classification Sherloc (09022015). Collection method: clinical testing. Allele origin: germline.